The following is an entry in ClinVar:

NM_001754.5(RUNX1):c.1391C>T (p.Thr464Ile)

Gene: RUNX1 (RUNX family transcription factor 1; minus strand). Cytogenetic location: 21q22.12.
Variant type: single nucleotide variant.
Coding change: c.1391C>T on transcript NM_001754.5 (MANE Select); coding-DNA position 1391, C replaced by T.
Protein change: p.Thr464Ile; replaces threonine 464 with isoleucine.
Molecular consequence: missense variant.
Genome position (GRCh38, 1-based): chr21:34,792,187, G>A on the plus strand (C>T on the coding strand, the complement: RUNX1 is on the minus strand). VCF-style: chr21-34792187-G-A. GRCh37 (hg19) VCF-style: chr21-36164484-G-A.
Other names: NM_001754.5(RUNX1):c.1391C>T; p.Thr464Ile; c.1310C>T, p.Thr437Ile (NM_001001890.3); short protein forms T437I, T464I.
Identifiers: ClinVar variation 846424 (VCV000846424.11), dbSNP rs2056448032, ClinGen allele CA410146905.

ClinVar aggregate classification (germline): Uncertain significance. Review status: reviewed by expert panel (3 of 4 stars). 3 submissions from 3 submitters: Uncertain significance (1). 2 of the submissions do not count toward it. Last evaluated 2024-09-25.

Conditions:
Hereditary thrombocytopenia and hematological cancer predisposition syndrome associated with RUNX1. Also called: PLATELET DISORDER, ASPIRIN-LIKE; Familial Platelet Disorder with Propensity to Acute Myelogenous Leukemia; Familial thrombocytopenia with propensity to acute myelogenous leukemia; RUNX1 Familial Platelet Disorder with Associated Myeloid Malignancies. Identifiers: Orphanet 71290, MedGen C1832388, MeSH C563324, MONDO:0100083, OMIM 601399.
Hereditary thrombocytopenia and hematologic cancer predisposition syndrome. Identifiers: Orphanet 71290, MedGen CN281654, MONDO:0011071.
Inborn genetic diseases. Identifiers: MedGen C0950123, MeSH D030342.

Submissions (3):

ClinGen Myeloid Malignancy Variant Curation Expert Panel
Classification: Uncertain significance for Hereditary thrombocytopenia and hematologic cancer predisposition syndrome. Last evaluated: 2024-09-25. Review status: reviewed by expert panel. Criteria: ClinGen MyeloMalig ACMG Specifications v2. Collection method: curation. Allele origin: germline. Inheritance: Autosomal dominant inheritance.
Comment: NM_001754.5(RUNX1):c.1391C>T (p.Thr464Ile) is a missense variant which is completely absent from all population databases with at least 20x coverage for RUNX1 (PM2_Supporting). In summary, the clinical significance of this variant is uncertain. ACMG/AMP criteria applied, as specified by the Myeloid Malignancy Variant Curation Expert Panel for RUNX1: PM2_supporting.

Ambry Genetics
Classification: Uncertain significance for Inborn genetic diseases. Last evaluated: 2025-03-15. Review status: criteria provided, single submitter. Criteria: Ambry Variant Classification Scheme 2023. Collection method: clinical testing. Allele origin: germline. Not counted in ClinVar's aggregate classification.
Comment: The p.T464I variant (also known as c.1391C>T), located in coding exon 8 of the RUNX1 gene, results from a C to T substitution at nucleotide position 1391. The threonine at codon 464 is replaced by isoleucine, an amino acid with similar properties. This amino acid position is conserved. In addition, the in silico prediction for this alteration is inconclusive. Based on the available evidence, the clinical significance of this variant remains unclear.

Labcorp Genetics (formerly Invitae), Labcorp
Classification: Uncertain significance for Hereditary thrombocytopenia and hematological cancer predisposition syndrome associated with RUNX1. Last evaluated: 2019-04-04. Review status: criteria provided, single submitter. Criteria: Invitae Variant Classification Sherloc (09022015). Collection method: clinical testing. Allele origin: germline. Not counted in ClinVar's aggregate classification.
Comment: In summary, the available evidence is currently insufficient to determine the role of this variant in disease. Therefore, it has been classified as a Variant of Uncertain Significance. Algorithms developed to predict the effect of missense changes on protein structure and function are either unavailable or do not agree on the potential impact of this missense change (SIFT: "Deleterious"; PolyPhen-2: "Probably Damaging"; Align-GVGD: "Class C0"). This variant has not been reported in the literature in individuals with RUNX1-related conditions. The frequency data for this variant in the population databases is considered unreliable, as metrics indicate insufficient coverage at this position in the ExAC database. This sequence change replaces threonine with isoleucine at codon 464 of the RUNX1 protein (p.Thr464Ile). The threonine residue is highly conserved and there is a moderate physicochemical difference between threonine and isoleucine.